The following is an entry in ClinVar:

NM_024989.4(PGAP1):c.1806C>T (p.Val602=)

Gene: PGAP1 (post-GPI attachment to proteins inositol deacylase 1; minus strand). Cytogenetic location: 2q33.1.
Variant type: single nucleotide variant.
Coding change: c.1806C>T on transcript NM_024989.4 (MANE Select); coding-DNA position 1806, C replaced by T.
Protein change: p.Val602=; no amino-acid change (valine 602 retained).
Molecular consequence: synonymous variant.
Genome position (GRCh38, 1-based): chr2:196,865,042, G>A on the plus strand (C>T on the coding strand, the complement: PGAP1 is on the minus strand). VCF-style: chr2-196865042-G-A. GRCh37 (hg19) VCF-style: chr2-197729766-G-A.
Other names: c.1284C>T, p.Val428= (NM_001321099.2); c.639C>T, p.Val213= (NM_001321100.2).
Identifiers: ClinVar variation 4822357 (VCV004822357.4).
Genomic context (GRCh38, chr2:196,865,042, plus strand): 5'-CTTACCTGTTGAGAAAAGAGAATATAACTGTCCTCTATAAGCAAGAAGGATATTAGATAC[G>A]ACATAAGCAGGAAGAGCTCCACCATGAAATCTAACTACCTAAAAAACAGGTAAGTCAATG-3'
Protein context (NP_079265.2, residues 592-612): RFHGGALPAY[Val602=]VSNILLAYRG

ClinVar aggregate classification (germline): Likely benign (1 of 4 stars; one submission).

gnomAD v4.1: 6 of 1,570,826 alleles (0.00038%); highest among the groups gnomAD compares: Non-Finnish European, 0.00051%; no homozygotes.

Submission:

CeGaT Center for Human Genetics Tuebingen
Classification: Likely benign. Last evaluated: 2026-02-01. Review status: criteria provided, single submitter. Criteria: CeGaT Center For Human Genetics Tuebingen Variant Classification Criteria Version 2. Collection method: clinical testing. Allele origin: germline. Affected: yes. Observed: 1 variant allele.
Comment: PGAP1: BP4, BP7